The following is an entry in ClinVar:

NM_001130965.3(SUN1):c.569T>C (p.Met190Thr)

Gene: SUN1 (Sad1 and UNC84 domain containing 1; plus strand). Cytogenetic location: 7p22.3.
Variant type: single nucleotide variant.
Coding change: c.569T>C on transcript NM_001130965.3 (MANE Select); coding-DNA position 569, T replaced by C.
Protein change: p.Met190Thr; replaces methionine 190 with threonine.
Molecular consequence: missense variant. On other transcripts: initiator codon variant (2), 5 prime UTR variant (1), non-coding transcript variant (3), intron variant (1).
Genome position (GRCh38, 1-based): chr7:843,431, T>C. VCF-style: chr7-843431-T-C. GRCh37 (hg19) VCF-style: chr7-883068-T-C.
Other names: c.632T>C, p.Met211Thr (NM_001171945.2); c.569T>C, p.Met190Thr (NM_001171946.2, NM_001367633.1, NM_001367634.1 and 32 more transcripts); c.112T>C, p.Cys38Arg (NM_001367635.1); c.419T>C, p.Met140Thr (NM_001367636.1, NM_001367644.1, NM_001367645.1 and 23 more transcripts); c.2T>C, p.Met1Thr (NM_001367639.1, NM_001367708.1); c.788T>C, p.Met263Thr (NM_001367651.1); c.-193T>C (NM_001367658.1); c.596T>C, p.Met199Thr (NM_001367669.1); and 2 more; short protein forms M127T, M199T, M1T, M263T, C38R, M140T, M190T, M211T.
Identifiers: ClinVar variation 1396103 (VCV001396103.6), dbSNP rs932480227, ClinGen allele CA152403423.

ClinVar aggregate classification (germline): Uncertain significance (1 of 4 stars; one submission).

Conditions:
Emery-Dreifuss muscular dystrophy (EDMD). Also called: Scapuloperoneal syndrome, X-linked (formerly); Humeroperoneal neuromuscular disease, (formerly). Identifiers: Orphanet 261, MedGen C0410189, MONDO:0016830.

Allele frequency attached by ClinVar (database versions not stated): TOPMed below 0.00001.

Submission:

Labcorp Genetics (formerly Invitae), Labcorp
Classification: Uncertain significance for Emery-Dreifuss muscular dystrophy. Last evaluated: 2021-10-12. Review status: criteria provided, single submitter. Criteria: Invitae Variant Classification Sherloc (09022015). Collection method: clinical testing. Allele origin: germline.
Comment: In summary, the available evidence is currently insufficient to determine the role of this variant in disease. Therefore, it has been classified as a Variant of Uncertain Significance. Algorithms developed to predict the effect of missense changes on protein structure and function are either unavailable or do not agree on the potential impact of this missense change (SIFT: "Deleterious"; PolyPhen-2: "Possibly Damaging"; Align-GVGD: "Class C0"). This variant has not been reported in the literature in individuals affected with SUN1-related conditions. This variant is not present in population databases (ExAC no frequency). This sequence change replaces methionine with threonine at codon 190 of the SUN1 protein (p.Met190Thr). The methionine residue is moderately conserved and there is a moderate physicochemical difference between methionine and threonine.